The following is an entry in ClinVar:

ClinVar aggregate classification (germline): Pathogenic/Likely pathogenic. Review status: criteria provided, multiple submitters, no conflicts (2 of 4 stars). 4 submissions from 4 submitters: Pathogenic (1); Likely pathogenic (3). Last evaluated 2026-07-01.

Conditions:
Glycogen storage disease, type II (IOPD). Also called: Glycogen storage disease type 2; Acid maltase deficiency disease; Aglucosidase alfa; Deficiency of alpha-glucosidase; Deficiency of lysosomal alpha-glucosidase; Glucosidase acid-1,4-alpha deficiency. Identifiers: Orphanet 365, MedGen C0017921, MONDO:0009290, OMIM 232300.

gnomAD v4.1: 4 of 1,612,886 alleles (0.00025%); highest among the groups gnomAD compares: Non-Finnish European, 0.00034%; no homozygotes.

Submissions (4):

Genomenon, Inc
Classification: Likely pathogenic for Glycogen storage disease, type II. Last evaluated: 2026-07-01. Review status: criteria provided, single submitter. Criteria: Genomenon Sequence Variant Interpretation Standards - Updated. Collection method: curation. Allele origin: germline. Affected: yes.
Comment: GAA p.Arg600Leu (c.1799G>T) is a missense variant that changes the amino acid at codon 600 from Arginine to Leucine. This variant has been observed in at least one proband with a GAA-related disorder in the compound heterozygous and/or homozygous state (PMID:17723315;29122469). The variant is located in a mutational hotspot and/or important functional domain. It is absent or not present at a significant frequency in gnomAD. In silico models predict that this variant is possibly or probably damaging. In conclusion, we classify GAA p.Arg600Leu (c.1799G>T) as a likely pathogenic variant.

Women's Health and Genetics/Laboratory Corporation of America, LabCorp
Classification: Likely pathogenic for Glycogen storage disease, type II. Last evaluated: 2025-06-13. Review status: criteria provided, single submitter. Criteria: LabCorp Variant Classification Summary - May 2015. Collection method: clinical testing. Allele origin: germline.
Comment: Variant summary: GAA c.1799G>T (p.Arg600Leu) results in a non-conservative amino acid change in the encoded protein sequence. Algorithms developed to predict the effect of missense changes on protein structure and function all suggest that this variant is likely to be disruptive. The variant was absent in 248322 control chromosomes. c.1799G>T has been observed in the compound heterozygous state in at least two individuals affected with Glycogen Storage Disease, Type 2 (Pompe Disease) (DeGroot_2021, McCready_2007). These data indicate that the variant may be associated with disease. A different variant affecting the same codon has been classified as likely pathogenic/pathogenic by our lab (c.1798C>T, Arg600Cys), supporting the critical relevance of codon 600 to GAA protein function. To our knowledge, no experimental evidence demonstrating an impact on protein function has been reported. The following publications have been ascertained in the context of this evaluation (PMID: 34220802, 17723315). ClinVar contains an entry for this variant (Variation ID: 2675761). Based on the evidence outlined above, the variant was classified as likely pathogenic.

GeneDx
Classification: Likely pathogenic. Last evaluated: 2025-03-18. Review status: criteria provided, single submitter. Criteria: GeneDx Variant Classification Process June 2021. Collection method: clinical testing. Allele origin: germline. Affected: yes.
Comment: Not observed at significant frequency in large population cohorts (gnomAD); In silico analysis supports that this missense variant has a deleterious effect on protein structure/function; This variant is associated with the following publications: (PMID: 19343043, 22253258, 30281819, 29122469, 31254424, 17723315, 31086307, 34530085, 25213570, 21982629, 11053688)

Labcorp Genetics (formerly Invitae), Labcorp
Classification: Pathogenic for Glycogen storage disease, type II. Last evaluated: 2024-02-16. Review status: criteria provided, single submitter. Criteria: Invitae Variant Classification Sherloc (09022015). Collection method: clinical testing. Allele origin: germline.
Comment: This sequence change replaces arginine, which is basic and polar, with leucine, which is neutral and non-polar, at codon 600 of the GAA protein (p.Arg600Leu). This variant is not present in population databases (gnomAD no frequency). This missense change has been observed in individual(s) with Pompe disease (PMID: 17723315). Advanced modeling of protein sequence and biophysical properties (such as structural, functional, and spatial information, amino acid conservation, physicochemical variation, residue mobility, and thermodynamic stability) performed at Invitae indicates that this missense variant is expected to disrupt GAA protein function with a positive predictive value of 95%. This variant disrupts the p.Arg600 amino acid residue in GAA. Other variant(s) that disrupt this residue have been determined to be pathogenic (PMID: 10338092, 19862843, 20033296, 30155607, 31342611). This suggests that this residue is clinically significant, and that variants that disrupt this residue are likely to be disease-causing. For these reasons, this variant has been classified as Pathogenic.

Literature cited by the submitters: PubMed 17723315 (cited by 3 submitters); PubMed 29122469 (cited by Genomenon, Inc); PubMed 34220802 (cited by Women's Health and Genetics/Laboratory Corporation of America, LabCorp); PubMed 10338092 (cited by Labcorp Genetics (formerly Invitae), Labcorp); PubMed 19862843 (cited by Labcorp Genetics (formerly Invitae), Labcorp); PubMed 20033296 (cited by Labcorp Genetics (formerly Invitae), Labcorp); PubMed 30155607 (cited by Labcorp Genetics (formerly Invitae), Labcorp); PubMed 31342611 (cited by Labcorp Genetics (formerly Invitae), Labcorp).

NM_000152.5(GAA):c.1799G>T (p.Arg600Leu)

Gene: GAA (alpha glucosidase; plus strand). Cytogenetic location: 17q25.3.
Variant type: single nucleotide variant.
Coding change: c.1799G>T on transcript NM_000152.5 (MANE Select); coding-DNA position 1799, G replaced by T.
Protein change: p.Arg600Leu; replaces arginine 600 with leucine.
Molecular consequence: missense variant.
Genome position (GRCh38, 1-based): chr17:80,112,622, G>T. VCF-style: chr17-80112622-G-T. GRCh37 (hg19) VCF-style: chr17-78086421-G-T.
Other names: c.1799G>T, p.Arg600Leu (NM_001079803.3, NM_001079804.3, NM_001406741.1 and 1 more transcripts); short protein forms R600L.
Identifiers: ClinVar variation 2675761 (VCV002675761.8), dbSNP rs377544304, ClinGen allele CA401369428.